The following is an entry in ClinVar:

ClinVar aggregate classification (germline): Uncertain significance (1 of 4 stars; one submission).

Allele frequency attached by ClinVar (database versions not stated): ExAC 0.00002; gnomAD 0.00002; gnomAD exomes 0.00002.
gnomAD v4.1: 26 of 1,609,620 alleles (0.0016%); highest among the groups gnomAD compares: Admixed American, 0.0033%; no homozygotes.

Submission:

Labcorp Genetics (formerly Invitae), Labcorp
Classification: Uncertain significance. Last evaluated: 2023-11-28. Review status: criteria provided, single submitter. Criteria: Invitae Variant Classification Sherloc (09022015). Collection method: clinical testing. Allele origin: germline.
Comment: This sequence change falls in intron 6 of the SLC7A14 gene. It does not directly change the encoded amino acid sequence of the SLC7A14 protein. The frequency data for this variant in the population databases is considered unreliable, as metrics indicate poor data quality at this position in the gnomAD database. This variant has not been reported in the literature in individuals affected with SLC7A14-related conditions. ClinVar contains an entry for this variant (Variation ID: 1910883). Algorithms developed to predict the effect of sequence changes on RNA splicing suggest that this variant may disrupt the consensus splice site. In summary, the available evidence is currently insufficient to determine the role of this variant in disease. Therefore, it has been classified as a Variant of Uncertain Significance.

NM_020949.3(SLC7A14):c.1116-11G>A

Genes: SLC7A14 (solute carrier family 7 member 14; minus strand), SLC7A14-AS1 (SLC7A14 antisense RNA 1; plus strand). Cytogenetic location: 3q26.2.
Variant type: single nucleotide variant.
Coding change: c.1116-11G>A on transcript NM_020949.3 (MANE Select); 11 bases into the intron before coding-DNA position 1116, G replaced by A.
Molecular consequence: intron variant.
Genome position (GRCh38, 1-based): chr3:170,481,177, C>T on the plus strand (G>A on the coding strand, the complement: SLC7A14 is on the minus strand). VCF-style: chr3-170481177-C-T. GRCh37 (hg19) VCF-style: chr3-170198966-C-T.
Identifiers: ClinVar variation 1910883 (VCV001910883.5), dbSNP rs773369170, ClinGen allele CA2701698.
Genomic context (GRCh38, chr3:170,481,177, plus strand): 5'-TGCAGGCCACCACTGGTGTCTCTGTGTAGGAGCTGACGTGAGCCAGGAACCTGGAGGGGC[C>T]GGGCAAGCAGAGGGTTAATGGTGAGCTACAGTGACCGATTCCAGTGCAGCCAACATAGGG-3'